The following is an entry in ClinVar:

ClinVar aggregate classification (germline): Uncertain significance. Review status: criteria provided, multiple submitters, no conflicts (2 of 4 stars). 2 submissions from 2 submitters: Uncertain significance (2). Last evaluated 2025-12-08.

Conditions:
Hypertrophic cardiomyopathy. Also called: HYPERTROPHIC MYOCARDIOPATHY. Identifiers: Orphanet 217569, MedGen C0007194, MeSH D002312, MONDO:0005045, HP:0001639.

Allele frequency attached by ClinVar (database versions not stated): 1000 Genomes Project 0.00080; gnomAD 0.00008; TOPMed 0.00009; gnomAD exomes 0.00023; 1000 Genomes Project 30x 0.00062.
gnomAD v4.1: 350 of 1,613,066 alleles (0.022%); highest among the groups gnomAD compares: East Asian, 0.62%; 1 homozygote.

Submissions (2):

Labcorp Genetics (formerly Invitae), Labcorp
Classification: Uncertain significance for Hypertrophic cardiomyopathy. Last evaluated: 2025-12-08. Review status: criteria provided, single submitter. Criteria: Invitae Variant Classification Sherloc (09022015). Collection method: clinical testing. Allele origin: germline.
Comment: This sequence change replaces arginine, which is basic and polar, with histidine, which is basic and polar, at codon 1138 of the MYOM1 protein (p.Arg1138His). This variant is present in population databases (rs148782330, gnomAD 0.09%), and has an allele count higher than expected for a pathogenic variant. This variant has not been reported in the literature in individuals affected with MYOM1-related conditions. ClinVar contains an entry for this variant (Variation ID: 229024). Invitae Evidence Modeling of protein sequence and biophysical properties (such as structural, functional, and spatial information, amino acid conservation, physicochemical variation, residue mobility, and thermodynamic stability) indicates that this missense variant is not expected to disrupt MYOM1 protein function with a negative predictive value of 80%. In summary, the available evidence is currently insufficient to determine the role of this variant in disease. Therefore, it has been classified as a Variant of Uncertain Significance.

Laboratory for Molecular Medicine, Mass General Brigham Personalized Medicine
Classification: Uncertain significance. Last evaluated: 2016-03-17. Review status: criteria provided, single submitter. Criteria: LMM Criteria. Collection method: clinical testing. Allele origin: germline. Observed: 1 variant allele.
Comment: Variant classified as Uncertain Significance - Favor Benign. The p.Arg1138His va riant in MYOM1 has not been previously reported in individuals with cardiomyopat hy, but has been identified in 0.2% (14/8600) of East Asian chromosomes by the E xome Aggregation Consortium (ExAC; dbSNP rs14878 2330).Computational prediction tools and conservation analysis do not provide st rong support for or against an impact to the protein. In summary, while the clin ical significance of the p.Arg1138His variant is uncertain, its frequency sugges ts that it is more likely to be benign.

NM_003803.4(MYOM1):c.3413G>A (p.Arg1138His)

Gene: MYOM1 (myomesin 1; minus strand). Cytogenetic location: 18p11.31.
Variant type: single nucleotide variant.
Coding change: c.3413G>A on transcript NM_003803.4 (MANE Select); coding-DNA position 3413, G replaced by A.
Protein change: p.Arg1138His; replaces arginine 1138 with histidine.
Molecular consequence: missense variant.
Genome position (GRCh38, 1-based): chr18:3,112,303, C>T on the plus strand (G>A on the coding strand, the complement: MYOM1 is on the minus strand). VCF-style: chr18-3112303-C-T. GRCh37 (hg19) VCF-style: chr18-3112301-C-T.
Other names: c.3125G>A, p.Arg1042His (NM_019856.2); short protein forms R1138H, R1042H.
Identifiers: ClinVar variation 229024 (VCV000229024.13), dbSNP rs148782330, ClinGen allele CA8874311.